The following is an entry in ClinVar:

NM_003640.5(ELP1):c.1875_1876insTT (p.Asp626fs)

Gene: ELP1 (elongator acetyltransferase complex subunit 1; minus strand). Cytogenetic location: 9q31.3.
Variant type: Insertion.
Coding change: c.1875_1876insTT on transcript NM_003640.5 (MANE Select); coding-DNA positions 1875 to 1876, TT inserted.
Protein change: p.Asp626fs; shifts the reading frame from aspartic acid 626.
Molecular consequence: frameshift variant.
Genome position: GRCh38 VCF-style: chr9-108901660-C-CAA. GRCh37 (hg19) VCF-style: chr9-111663940-C-CAA.
Other names: c.1875_1876insTT (NM_003640.4); c.1533_1534insTT, p.Asp512fs (NM_001318360.2); c.828_829insTT, p.Asp277fs (NM_001330749.2); short protein forms D512fs, D277fs, D626fs.
Identifiers: ClinVar variation 3596268 (VCV003596268.2).

ClinVar aggregate classification (germline): Likely pathogenic. Review status: criteria provided, multiple submitters, no conflicts (2 of 4 stars). 2 submissions from 2 submitters: Likely pathogenic (2). Last evaluated 2026-01-12.

Conditions:
Familial dysautonomia. Also called: FD; HSAN III. Identifiers: Orphanet 1764, MedGen C0013364, MONDO:0009131, OMIM 223900. Disease mechanism: loss of function.
Medulloblastoma (MDB). Also called: Medulloblastoma, somatic; MEDULLOBLASTOMA PREDISPOSITION SYNDROME. Identifiers: Orphanet 616, MedGen C0025149, MeSH D008527, MONDO:0007959, OMIM 155255, HP:0002885.

Submissions (2):

Natera, Inc.
Classification: Likely pathogenic for Familial dysautonomia. Last evaluated: 2026-01-12. Review status: criteria provided, single submitter. Criteria: Natera Variant Classification Schema (03/2026). Collection method: clinical testing. Allele origin: germline.
Comment: The c.1875_1876insTT variant in ELP1 is a frameshift variant predicted to shift the reading frame beginning at codon 626 and leads to a stop codon 29 codons downstream. This variant is expected to result in nonsense mediated decay, truncation, or a dysfunctional protein product. This variant is rare in the general population with a frequency below the threshold expected for the associated phenotype(s). Given the available evidence, this variant is classified as Likely Pathogenic.

Fulgent Genetics
Classification: Likely pathogenic for Medulloblastoma; Familial dysautonomia. Last evaluated: 2024-01-17. Review status: criteria provided, single submitter. Criteria: ACMG Guidelines, 2015. Collection method: clinical testing. Allele origin: germline.